The following is an entry in ClinVar:

ClinVar aggregate classification (germline): Uncertain significance (1 of 4 stars; one submission).

Conditions:
EGFR-related lung cancer (EGFR). Identifiers: MedGen CN130014.

gnomAD v4.1: 1 of 1,614,234 alleles (0.000062%); highest among the groups gnomAD compares: Non-Finnish European, 0.000085%; no homozygotes.

Submission:

Labcorp Genetics (formerly Invitae), Labcorp
Classification: Uncertain significance for EGFR-related lung cancer. Last evaluated: 2023-10-22. Review status: criteria provided, single submitter. Criteria: Invitae Variant Classification Sherloc (09022015). Collection method: clinical testing. Allele origin: germline.
Comment: This sequence change replaces proline, which is neutral and non-polar, with leucine, which is neutral and non-polar, at codon 266 of the EGFR protein (p.Pro266Leu). This variant is not present in population databases (gnomAD no frequency). This variant has not been reported in the literature in individuals affected with EGFR-related conditions. ClinVar contains an entry for this variant (Variation ID: 1472101). Advanced modeling of protein sequence and biophysical properties (such as structural, functional, and spatial information, amino acid conservation, physicochemical variation, residue mobility, and thermodynamic stability) performed at Invitae indicates that this missense variant is not expected to disrupt EGFR protein function with a negative predictive value of 80%. In summary, the available evidence is currently insufficient to determine the role of this variant in disease. Therefore, it has been classified as a Variant of Uncertain Significance.

NM_005228.5(EGFR):c.797C>T (p.Pro266Leu)

Gene: EGFR (epidermal growth factor receptor; plus strand). Cytogenetic location: 7p11.2.
Variant type: single nucleotide variant.
Coding change: c.797C>T on transcript NM_005228.5 (MANE Select); coding-DNA position 797, C replaced by T.
Protein change: p.Pro266Leu; replaces proline 266 with leucine.
Molecular consequence: missense variant. On other transcripts: intron variant (1).
Genome position (GRCh38, 1-based): chr7:55,154,060, C>T. VCF-style: chr7-55154060-C-T. GRCh37 (hg19) VCF-style: chr7-55221753-C-T.
Other names: c.662C>T, p.Pro221Leu (NM_001346897.2, NM_001346899.2); c.797C>T, p.Pro266Leu (NM_001346898.2, NM_201282.2, NM_201283.2 and 1 more transcripts); c.638C>T, p.Pro213Leu (NM_001346900.2); c.89-1770C>T (NM_001346941.2); short protein forms P266L, P213L, P221L.
Identifiers: ClinVar variation 1472101 (VCV001472101.8), dbSNP rs17336639, ClinGen allele CA367577691.